The following is an entry in ClinVar:

NM_001035.3(RYR2):c.8715-2A>G

Gene: RYR2 (ryanodine receptor 2; plus strand). Cytogenetic location: 1q43.
Variant type: single nucleotide variant.
Coding change: c.8715-2A>G on transcript NM_001035.3 (MANE Select); the canonical splice acceptor site of the intron before coding-DNA position 8715, A replaced by G.
Molecular consequence: splice acceptor variant.
Genome position (GRCh38, 1-based): chr1:237,674,729, A>G. VCF-style: chr1-237674729-A-G. GRCh37 (hg19) VCF-style: chr1-237838029-A-G.
Identifiers: ClinVar variation 3385801 (VCV003385801.4).
Genomic context (GRCh38, chr1:237,674,729, plus strand): 5'-AATTTTACCTTCTAAGAGGCTTTGTACAAATTGCTTTCCCATTTTCATTTTTGCTCTTCC[A>G]GAGGATTTAAGGACCTGGAACTGGACACGCCTTCTATTGAGAAACGATTTGCCTATAGTT-3'

ClinVar aggregate classification (germline): Uncertain significance. Review status: criteria provided, multiple submitters, no conflicts (2 of 4 stars). 3 submissions from 3 submitters: Uncertain significance (3). Last evaluated 2024-11-24.

Conditions:
Catecholaminergic polymorphic ventricular tachycardia (CVPT). Also called: Catecholamine-induced polymorphic ventricular tachycardia. Identifiers: Orphanet 3286, MedGen C5574922, MONDO:0017990.
Catecholaminergic polymorphic ventricular tachycardia 1. Also called: VENTRICULAR TACHYCARDIA, CATECHOLAMINERGIC POLYMORPHIC, 1, WITH OR WITHOUT ATRIAL DYSFUNCTION AND/OR DILATED CARDIOMYOPATHY; RYR2-Related Catecholaminergic Polymorphic Ventricular Tachycardia; VENTRICULAR TACHYCARDIA, STRESS-INDUCED POLYMORPHIC 1. Identifiers: Orphanet 3286, MedGen C1631597, MONDO:0011484, OMIM 604772.

Submissions (3):

Labcorp Genetics (formerly Invitae), Labcorp
Classification: Uncertain significance for Catecholaminergic polymorphic ventricular tachycardia 1. Last evaluated: 2024-11-24. Review status: criteria provided, single submitter. Criteria: Invitae Variant Classification Sherloc (09022015). Collection method: clinical testing. Allele origin: germline.
Comment: This sequence change affects an acceptor splice site in intron 59 of the RYR2 gene. It is expected to disrupt RNA splicing. Variants that disrupt the donor or acceptor splice site typically lead to a loss of protein function (PMID: 16199547), however the current clinical and genetic evidence is not sufficient to establish whether loss-of-function variants in RYR2 cause disease. This variant is not present in population databases (gnomAD no frequency). This variant has not been reported in the literature in individuals affected with RYR2-related conditions. Algorithms developed to predict the effect of sequence changes on RNA splicing suggest that this variant may disrupt the consensus splice site. In summary, the available evidence is currently insufficient to determine the role of this variant in disease. Therefore, it has been classified as a Variant of Uncertain Significance.

All of Us Research Program, National Institutes of Health
Classification: Uncertain significance for Catecholaminergic polymorphic ventricular tachycardia. Last evaluated: 2024-03-05. Review status: criteria provided, single submitter. Criteria: ACMG Guidelines, 2015. Collection method: clinical testing. Allele origin: germline. Inheritance: Autosomal dominant inheritance. Observed: 1 variant allele, 1 heterozygote.
Comment: This study involves interpretation of variants in research participants for the purpose of population health screening. Participant phenotype was not available at the time of variant classification. Additional details can be found in publication PMID: 35346344, PMCID: PMC8962531

Blueprint Genetics
Classification: Uncertain significance. Last evaluated: 2022-09-12. Review status: criteria provided, single submitter. Criteria: ACMG Guidelines, 2015. Collection method: clinical testing. Allele origin: germline.

Literature cited by the submitters: PubMed 16199547 (cited by Labcorp Genetics (formerly Invitae), Labcorp).